The following is an entry in ClinVar:

ClinVar aggregate classification (germline): not provided. Review status: no classification provided (0 of 4 stars). 2 submissions from 1 submitter: not provided (2).

Conditions:
Small for gestational age. Also called: Low birth weight. Identifiers: MedGen C0235991, HP:0001518.
Large for gestational age. Identifiers: MedGen C1848395, HP:0001520.

Submissions (2):

Institute of Molecular and Cell Biology, University of Tartu
No classification provided. Condition: Small for gestational age. Review status: no classification provided. Collection method: case-control. Allele origin: unknown. Affected: yes. Study: Kasak2014.
Comment: The study aimed to determine the contribution of copy number variants in the genetic etiology of normal and complicated pregnancies. The samples represented (i) maternal blood DNA drawn from healthy pregnant women during 1st or 2nd trimester and (ii) maternal and paternal blood DNA drawn at term pregnancy cases representing normal and complicated gestations (severe preeclampsia, PE; gestational diabetes, GD; small-for-gestational age newborn, SGA; large-for-gestational age newborn, LGA). We performed CNV calling based on genome-wide genotyping dataset (Illumina HumanOmniExpress-24-v1 BeadChip) by applying three algorithms, QuantiSNP, GADA (Genome Alteration Detection Algorithm) and CNstream in parallel. The acquired CNV calls were merged with HD-CNV (Hotspot Detector for Copy Number Variants) program and only the CNVs predicted by at least two programs, were considered in subsequent analysis.

Institute of Molecular and Cell Biology, University of Tartu
No classification provided. Condition: Large for gestational age. Review status: no classification provided. Collection method: case-control. Allele origin: unknown. Affected: yes. Study: Kasak2014.
Comment: the same text as in the submission from Institute of Molecular and Cell Biology, University of Tartu above.

Literature cited by the submitters: PubMed 25666259.

NM_001277864.1(DHRS4L1):c.-23423_-119+7390del

Genes: DHRS4L1 (dehydrogenase/reductase 4 like 1; plus strand), DHRS4L2 (dehydrogenase/reductase 4 like 2; plus strand), LOC130055378 (ATAC-STARR-seq lymphoblastoid active region 8182; plus strand), LOC130055379 (ATAC-STARR-seq lymphoblastoid silent region 5615; plus strand). Cytogenetic location: 14q11.2.
Variant type: Deletion.
Coding change: c.-23423_-119+7390del on transcript NM_001277864.1; 23423 bases upstream of the start codon through 7390 bases into the intron after 119 bases upstream of the start codon, this stretch deleted.
Identifiers: ClinVar variation 157303 (VCV000157303.2).